The following is an entry in ClinVar:

NM_001308093.3(GATA4):c.1225C>T (p.Gln409Ter)

Gene: GATA4 (GATA binding protein 4). Cytogenetic location: 8p23.1.
Variant type: single nucleotide variant.
Coding change: c.1225C>T on transcript NM_001308093.3 (MANE Select); coding-DNA position 1225, C replaced by T.
Protein change: p.Gln409Ter; replaces glutamine 409 with a stop codon.
Molecular consequence: nonsense.
Genome position (GRCh38, 1-based): chr8:11,758,368, C>T. VCF-style: chr8-11758368-C-T. GRCh37 (hg19) VCF-style: chr8-11615877-C-T.
Other names: c.604C>T, p.Gln202Ter (NM_001308094.2, NM_001374273.1); c.478C>T, p.Gln160Ter (NM_001374274.1); c.1222C>T, p.Gln408Ter (NM_002052.5); short protein forms Q202*, Q408*, Q409*, Q160*.
Identifiers: ClinVar variation 944760 (VCV000944760.1), dbSNP rs1802712072, ClinGen allele CA370315675.

ClinVar aggregate classification (germline): Uncertain significance (1 of 4 stars; one submission).

Conditions:
Atrioventricular septal defect 4 (AVSD4). Identifiers: MedGen C3280781, MONDO:0013747, OMIM 614430.

Submission:

Labcorp Genetics (formerly Invitae), Labcorp
Classification: Uncertain significance for Atrioventricular septal defect 4. Last evaluated: 2019-06-12. Review status: criteria provided, single submitter. Criteria: Invitae Variant Classification Sherloc (09022015). Collection method: clinical testing. Allele origin: germline.
Comment: This sequence change results in a premature translational stop signal in the GATA4 gene (p.Gln408*). While this is not anticipated to result in nonsense mediated decay, it is expected to delete the last 35 amino acids of the GATA4 protein. This variant is not present in population databases (ExAC no frequency). This variant has not been reported in the literature in individuals with GATA4-related disease. Experimental studies and prediction algorithms are not available for this variant, and the functional significance of the deleted amino acids is currently unknown. In summary, the available evidence is currently insufficient to determine the role of this variant in disease. Therefore, it has been classified as a Variant of Uncertain Significance.